The following is an entry in ClinVar:

NM_023110.3(FGFR1):c.1978-8del

Gene: FGFR1 (fibroblast growth factor receptor 1; minus strand). Cytogenetic location: 8p11.23.
Variant type: Deletion.
Coding change: c.1978-8del on transcript NM_023110.3 (MANE Select); 8 bases into the intron before coding-DNA position 1978, one base deleted (G; older notation c.1978-8delG).
Molecular consequence: intron variant.
Genome position (GRCh38, 1-based): chr8:38,414,637, C deleted on the plus strand (G on the coding strand, the reverse complement: FGFR1 is on the minus strand). VCF-style (leftmost placement, unchanged base first): chr8-38414636-GC-G. GRCh37 (hg19) VCF-style: chr8-38272154-GC-G.
Other names: c.1699-8del (NM_001354368.2); c.1705-8del (NM_001354370.2, NM_023106.3); c.1711-8del (NM_023105.3, NM_001174066.2); c.1972-8del (NM_001354367.2, NM_015850.4, NM_001174063.2 and 1 more transcripts); c.1948-8del (NM_001174064.2); c.1966-8del (NM_001354369.2); c.2071-8del (NM_001174067.2); c.1978-8delG (NM_023110.2).
Identifiers: ClinVar variation 282690 (VCV000282690.11), dbSNP rs112311314, ClinGen allele CA4718207.

ClinVar aggregate classification (germline): Conflicting classifications of pathogenicity. Review status: criteria provided, conflicting classifications (1 of 4 stars). 3 submissions from 3 submitters: Uncertain significance (1); Likely benign (1). 1 of the submissions does not count toward it. Last evaluated 2025-12-08.

Conditions:
Hypogonadotropic hypogonadism 2 with or without anosmia (HH2). Also called: HYPOGONADOTROPIC HYPOGONADISM 2 WITH OR WITHOUT ANOSMIA, SUSCEPTIBILITY TO; HYPOGONADOTROPIC HYPOGONADISM 2 WITHOUT ANOSMIA, SUSCEPTIBILITY TO; FGFR1-Related GnRH Deficiency (Kallmann Syndrome 2); HYPOGONADOTROPIC HYPOGONADISM 2 WITHOUT ANOSMIA. Identifiers: Orphanet 478, MedGen C1563720, MONDO:0007844, OMIM 147950. Disease mechanism: loss of function.
Pfeiffer syndrome (ACS5). Also called: ACS V. Identifiers: Orphanet 710, MedGen C0220658, MONDO:0007043, OMIM 101600.
FGFR1-related disorder. Also called: FGFR1-related disorders; FGFR1-related condition. Identifiers: MedGen CN380097.

Allele frequency attached by ClinVar (database versions not stated): gnomAD exomes 0.00001 and 0.00002; ExAC 0.00002; gnomAD 0.00009; TOPMed 0.00013; ESP Exome Variant Server 0.00016.

Submissions (3):

Labcorp Genetics (formerly Invitae), Labcorp
Classification: Likely benign for Pfeiffer syndrome; Hypogonadotropic hypogonadism 2 with or without anosmia. Last evaluated: 2025-12-08. Review status: criteria provided, single submitter. Criteria: Invitae Variant Classification Sherloc (09022015). Collection method: clinical testing. Allele origin: germline.

Eurofins Ntd Llc (ga)
Classification: Uncertain significance. Last evaluated: 2015-08-13. Review status: criteria provided, single submitter. Criteria: EGL Classification Definitions 2015. Collection method: clinical testing. Allele origin: germline. Observed: 1 variant allele, 1 heterozygote.

PreventionGenetics, part of Exact Sciences
Classification: Likely benign for FGFR1-related condition. Last evaluated: 2022-10-11. Review status: no assertion criteria provided. Collection method: clinical testing. Allele origin: germline. Not counted in ClinVar's aggregate classification.
Comment: This variant is classified as likely benign based on ACMG/AMP sequence variant interpretation guidelines (Richards et al. 2015 PMID: 25741868, with internal and published modifications).